The following is an entry in ClinVar:

NM_007254.4(PNKP):c.1485dup (p.Ser496fs)

Gene: PNKP (polynucleotide kinase 3'-phosphatase; minus strand). Cytogenetic location: 19q13.33.
Variant type: Duplication.
Coding change: c.1485dup on transcript NM_007254.4 (MANE Select); coding-DNA position 1485, one base duplicated (C; older notation c.1485dupC).
Protein change: p.Ser496fs; shifts the reading frame from serine 496.
Molecular consequence: frameshift variant.
Genome position (GRCh38, 1-based): chr19:49,861,329, G duplicated on the plus strand (C on the coding strand, the reverse complement: PNKP is on the minus strand). VCF-style (leftmost placement, unchanged base first): chr19-49861328-A-AG. GRCh37 (hg19) VCF-style: chr19-50364585-A-AG.
Other names: c.1485dupC (NM_007254.4); short protein forms S496fs.
Identifiers: ClinVar variation 4845667 (VCV004845667.1).

ClinVar aggregate classification (germline): Likely pathogenic (1 of 4 stars; one submission).

Conditions:
Charcot-Marie-Tooth disease type 2B2 (CMT2B2). Also called: CHARCOT-MARIE-TOOTH DISEASE, AXONAL, TYPE 2B2; Charcot-Marie-Tooth Neuropathy Type 2B2; CHARCOT-MARIE-TOOTH DISEASE, AXONAL, AUTOSOMAL RECESSIVE, TYPE 2B2; CHARCOT-MARIE-TOOTH DISEASE, NEURONAL, TYPE 2B2. Identifiers: Orphanet 101101, MedGen C1854150, MONDO:0011570, OMIM 605589.
Microcephaly, seizures, and developmental delay. Identifiers: Orphanet 1934, MedGen C3150667, MONDO:0013254, OMIM 613402.
Ataxia - oculomotor apraxia type 4. Identifiers: Orphanet 459033, MedGen C4225397, MONDO:0014557, OMIM 616267.

Submission:

First Genomix Gene Laboratory, Genetic Diagnostics Department
Classification: Likely pathogenic for Charcot-Marie-Tooth disease type 2B2; Ataxia - oculomotor apraxia type 4; Microcephaly, seizures, and developmental delay. Last evaluated: 2025-01-08. Review status: criteria provided, single submitter. Criteria: ACMG Guidelines, 2015. Collection method: clinical testing. Allele origin: germline. Inheritance: Autosomal recessive inheritance. Affected: no. Observed: 1 variant allele.